The following is an entry in ClinVar:

ClinVar aggregate classification (germline): Likely benign (0 of 4 stars; one submission).

Conditions:
CUX2-related disorder. Also called: CUX2-related condition.

gnomAD v4.1: 192 of 1,490,410 alleles (0.013%); highest among the groups gnomAD compares: Non-Finnish European, 0.017%; no homozygotes.

Submission:

PreventionGenetics, part of Exact Sciences
Classification: Likely benign for CUX2-related condition. Last evaluated: 2019-03-22. Review status: no assertion criteria provided. Collection method: clinical testing. Allele origin: germline.
Comment: This variant is classified as likely benign based on ACMG/AMP sequence variant interpretation guidelines (Richards et al. 2015 PMID: 25741868, with internal and published modifications).

NM_015267.4(CUX2):c.1506C>A (p.Gly502=)

Gene: CUX2 (cut like homeobox 2; plus strand). Cytogenetic location: 12q24.12.
Variant type: single nucleotide variant.
Coding change: c.1506C>A on transcript NM_015267.4 (MANE Select); coding-DNA position 1506, C replaced by A.
Protein change: p.Gly502=; no amino-acid change (glycine 502 retained).
Molecular consequence: synonymous variant.
Genome position (GRCh38, 1-based): chr12:111,310,288, C>A. VCF-style: chr12-111310288-C-A. GRCh37 (hg19) VCF-style: chr12-111748092-C-A.
Other names: c.1320C>A, p.Gly440= (NM_001370598.1).
Identifiers: ClinVar variation 3353102 (VCV003353102.1).